The following is an entry in ClinVar:

NM_004278.4(PIGL):c.296T>G (p.Leu99Trp)

Gene: PIGL (phosphatidylinositol glycan anchor biosynthesis class L; plus strand). Cytogenetic location: 17p11.2.
Variant type: single nucleotide variant.
Coding change: c.296T>G on transcript NM_004278.4 (MANE Select); coding-DNA position 296, T replaced by G.
Protein change: p.Leu99Trp; replaces leucine 99 with tryptophan.
Molecular consequence: missense variant.
Genome position (GRCh38, 1-based): chr17:16,234,031, T>G. VCF-style: chr17-16234031-T-G. GRCh37 (hg19) VCF-style: chr17-16137345-T-G.
Other names: short protein forms L99W.
Identifiers: ClinVar variation 1031398 (VCV001031398.1), dbSNP rs1179113684, ClinGen allele CA398479731.
Genomic context (GRCh38, chr17:16,234,031, plus strand): 5'-GAAATTACTACAATCAAGGAGAGACTCGTAAGAAAGAACTTTTGCAGAGCTGTGATGTTT[T>G]GGGGATTCCACTCTCCAGTGTAATGATTATTGACAACAGGTAATATATCTTTTAACAATG-3'
Protein context (NP_004269.1, residues 89-109): KKELLQSCDV[Leu99Trp]GIPLSSVMII

ClinVar aggregate classification (germline): Uncertain significance (1 of 4 stars; one submission).

Conditions:
CHIME syndrome (CHIME). Also called: GLYCOSYLPHOSPHATIDYLINOSITOL BIOSYNTHESIS DEFECT 5; COLOBOMA, CONGENITAL HEART DISEASE, ICHTHYOSIFORM DERMATOSIS, IMPAIRED INTELLECTUAL DEVELOPMENT, AND EAR ANOMALIES SYNDROME. Identifiers: Orphanet 3474, MedGen C1848392, MONDO:0010221, OMIM 280000.

Allele frequency attached by ClinVar (database versions not stated): gnomAD exomes below 0.00001 and 0.00001; TOPMed below 0.00001.
gnomAD v4.1: 2 of 1,607,220 alleles (0.00012%); highest among the groups gnomAD compares: Admixed American, 0.0033%; no homozygotes.

Submission:

Baylor Genetics
Classification: Uncertain significance for CHIME syndrome. Last evaluated: 2018-09-05. Review status: criteria provided, single submitter. Criteria: ACMG Guidelines, 2015. Collection method: clinical testing. Allele origin: paternal. Affected: yes.
Comment: This variant was determined to be of uncertain significance according to ACMG Guidelines, 2015 [PMID:25741868].